The following is an entry in ClinVar:

NM_001754.5(RUNX1):c.329A>G (p.Lys110Arg)

Gene: RUNX1 (RUNX family transcription factor 1; minus strand). Cytogenetic location: 21q22.12.
Variant type: single nucleotide variant.
Coding change: c.329A>G on transcript NM_001754.5 (MANE Select); coding-DNA position 329, A replaced by G.
Protein change: p.Lys110Arg; replaces lysine 110 with arginine.
Molecular consequence: missense variant.
Genome position (GRCh38, 1-based): chr21:34,886,865, T>C on the plus strand (A>G on the coding strand, the complement: RUNX1 is on the minus strand). VCF-style: chr21-34886865-T-C. GRCh37 (hg19) VCF-style: chr21-36259162-T-C.
Other names: NM_001754.5(RUNX1):c.329A>G; p.Lys110Arg; c.248A>G, p.Lys83Arg (NM_001001890.3, NM_001122607.2); short protein forms K110R, K83R.
Identifiers: ClinVar variation 3367906 (VCV003367906.4).

ClinVar aggregate classification (germline): Likely pathogenic. Review status: reviewed by expert panel (3 of 4 stars). 2 submissions from 2 submitters: Likely pathogenic (1). 1 of the submissions does not count toward it. Last evaluated 2026-10-05.

Conditions:
Hereditary thrombocytopenia and hematologic cancer predisposition syndrome. Identifiers: Orphanet 71290, MedGen CN281654, MONDO:0011071.

Submissions (2):

ClinGen Myeloid Malignancy Variant Curation Expert Panel
Classification: Likely pathogenic for Hereditary thrombocytopenia and hematologic cancer predisposition syndrome. Last evaluated: 2026-10-05. Review status: reviewed by expert panel. Criteria: ClinGen MyeloMalig ACMG Specifications V3.1. Collection method: curation. Allele origin: germline. Inheritance: Autosomal dominant inheritance.
Comment: NM_001754.5(RUNX1):c.329A>G (p.Lys110Arg) is a missense variant which affects one of the hotspot residues (Lys110) within the RHD (amino acids 89-204; PM1_Strong). This variant has a REVEL score ≥ 0.88 (0.95) (PP3) and is completely absent from all population databases with at least 20x coverage for RUNX1 (PM2_Supporting). In summary, this variant meets the criteria to be classified as likely pathogenic. ACMG/AMP criteria applied, as specified by the Myeloid Malignancy Variant Curation Expert Panel for RUNX1: PM1_Strong, PP3, PM2_Supporting.

GeneDx
Classification: Uncertain significance. Last evaluated: 2025-03-25. Review status: criteria provided, single submitter. Criteria: GeneDx Variant Classification Process June 2021. Collection method: clinical testing. Allele origin: germline. Not counted in ClinVar's aggregate classification.
Comment: Not observed at significant frequency in large population cohorts (gnomAD); In silico analysis supports that this missense variant has a deleterious effect on protein structure/function; Has not been previously published as pathogenic or benign to our knowledge; This variant is associated with the following publications: (PMID: 31648317)